The following is an entry in ClinVar:

ClinVar aggregate classification (germline): Uncertain significance (1 of 4 stars; one submission).

Conditions:
Congenital contractural arachnodactyly (CCA). Also called: Beals-Hecht syndrome; Arthrogryposis, distal, type 9; BEALS SYNDROME. Identifiers: Orphanet 115, MedGen C0220668, MONDO:0007363, OMIM 121050.

Allele frequency attached by ClinVar (database versions not stated): gnomAD exomes below 0.00001.
gnomAD v4.1: 2 of 1,611,888 alleles (0.00012%); highest among the groups gnomAD compares: Non-Finnish European, 0.00017%; no homozygotes.

Submission:

Labcorp Genetics (formerly Invitae), Labcorp
Classification: Uncertain significance for Congenital contractural arachnodactyly. Last evaluated: 2023-12-09. Review status: criteria provided, single submitter. Criteria: Invitae Variant Classification Sherloc (09022015). Collection method: clinical testing. Allele origin: germline.
Comment: This sequence change falls in intron 24 of the FBN2 gene. It does not directly change the encoded amino acid sequence of the FBN2 protein. It affects a nucleotide within the consensus splice site. This variant is not present in population databases (gnomAD no frequency). This variant has not been reported in the literature in individuals affected with FBN2-related conditions. Variants that disrupt the consensus splice site are a relatively common cause of aberrant splicing (PMID: 17576681, 9536098). Algorithms developed to predict the effect of sequence changes on RNA splicing suggest that this variant is not likely to affect RNA splicing. In summary, the available evidence is currently insufficient to determine the role of this variant in disease. Therefore, it has been classified as a Variant of Uncertain Significance.

Literature cited by the submitters: PubMed 17576681; PubMed 9536098.

NM_001999.4(FBN2):c.3217+6T>C

Genes: FBN2 (fibrillin 2; minus strand), LOC126807501 (BRD4-independent group 4 enhancer GRCh37_chr5:127680731-127681930; plus strand). Cytogenetic location: 5q23.3.
Variant type: single nucleotide variant.
Coding change: c.3217+6T>C on transcript NM_001999.4 (MANE Select); 6 bases into the intron after coding-DNA position 3217, T replaced by C.
Molecular consequence: intron variant.
Genome position (GRCh38, 1-based): chr5:128,345,351, A>G on the plus strand (T>C on the coding strand, the complement: FBN2 is on the minus strand). VCF-style: chr5-128345351-A-G. GRCh37 (hg19) VCF-style: chr5-127681043-A-G.
Identifiers: ClinVar variation 2741446 (VCV002741446.3), dbSNP rs2479290047, ClinGen allele CA2578444227.
Genomic context (GRCh38, chr5:128,345,351, plus strand): 5'-TCTCAGAGAATGTGGAAGGCTTCCTGTTGGTGAAGAAGGACCAAGGCGCTGGCCGCAGGC[A>G]GTTACCTTTGTAAAATGGCCGCCCAGTAAGAACATCCCCTCGGTTAGCAAAGCCAGCCCC-3'